The following is an entry in ClinVar:

NM_001083961.2(WDR62):c.1151A>C (p.Tyr384Ser)

Gene: WDR62 (WD repeat domain 62; plus strand). Cytogenetic location: 19q13.12.
Variant type: single nucleotide variant.
Coding change: c.1151A>C on transcript NM_001083961.2 (MANE Select); coding-DNA position 1151, A replaced by C.
Protein change: p.Tyr384Ser; replaces tyrosine 384 with serine.
Molecular consequence: missense variant.
Genome position (GRCh38, 1-based): chr19:36,073,449, A>C. VCF-style: chr19-36073449-A-C. GRCh37 (hg19) VCF-style: chr19-36564351-A-C.
Other names: c.1151A>C, p.Tyr384Ser (NM_173636.5); short protein forms Y384S.
Identifiers: ClinVar variation 1307775 (VCV001307775.3), dbSNP rs758675905, ClinGen allele CA9395500.

ClinVar aggregate classification (germline): Uncertain significance. Review status: criteria provided, multiple submitters, no conflicts (2 of 4 stars). 2 submissions from 2 submitters: Uncertain significance (2). Last evaluated 2024-11-15.

Conditions:
Inborn genetic diseases. Identifiers: MedGen C0950123, MeSH D030342.

Allele frequency attached by ClinVar (database versions not stated): gnomAD exomes 0.00001; TOPMed below 0.00001; ExAC 0.00001.
gnomAD v4.1: 6 of 1,614,148 alleles (0.00037%); highest among the groups gnomAD compares: Non-Finnish European, 0.00051%; no homozygotes.

Submissions (2):

Ambry Genetics
Classification: Uncertain significance for Inborn genetic diseases. Last evaluated: 2024-11-15. Review status: criteria provided, single submitter. Criteria: Ambry Variant Classification Scheme 2023. Collection method: clinical testing. Allele origin: germline.

GeneDx
Classification: Uncertain significance. Last evaluated: 2019-08-12. Review status: criteria provided, single submitter. Criteria: GeneDx Variant Classification Process June 2021. Collection method: clinical testing. Allele origin: germline. Affected: yes.
Comment: Has not been previously published as pathogenic or benign to our knowledge; Not observed at a significant frequency in large population cohorts (Lek et al., 2016); In silico analysis, which includes protein predictors and evolutionary conservation, supports a deleterious effect